The following is an entry in ClinVar:

ClinVar aggregate classification (germline): Conflicting classifications of pathogenicity. Review status: criteria provided, conflicting classifications (1 of 4 stars). 7 submissions from 7 submitters: Uncertain significance (2); Benign (1); Likely benign (4). Last evaluated 2025-06-30.

Conditions:
Familial thoracic aortic aneurysm and aortic dissection (TAAD). Also called: Thoracic aortic aneurysms and dissections. Identifiers: Orphanet 91387, MedGen C4707243, MONDO:0019625.
Ehlers-Danlos syndrome, type 4 (EDSVASC). Also called: Ehlers-Danlos Syndrome Type IV; Ehlers-Danlos syndrome vascular type; Ehlers Danlos syndrome, ecchymotic type; Ehlers Danlos syndrome, arterial type; Ehlers Danlos syndrome, Sack-Barabas type. Identifiers: Orphanet 286, MedGen C0268338, MONDO:0017314, OMIM 130050.

Allele frequency attached by ClinVar (database versions not stated): gnomAD exomes 0.00001 and 0.00003; ExAC 0.00002.
gnomAD v4.1: 16 of 1,614,044 alleles (0.00099%); highest among the groups gnomAD compares: South Asian, 0.0044%; no homozygotes.

Submissions (7):

Labcorp Genetics (formerly Invitae), Labcorp
Classification: Uncertain significance for Ehlers-Danlos syndrome, type 4. Last evaluated: 2025-06-30. Review status: criteria provided, single submitter. Criteria: Invitae Variant Classification Sherloc (09022015). Collection method: clinical testing. Allele origin: germline.
Comment: This sequence change affects codon 449 of the COL3A1 mRNA. It is a 'silent' change, meaning that it does not change the encoded amino acid sequence of the COL3A1 protein. It affects a nucleotide within the consensus splice site. This variant is present in population databases (rs755731385, gnomAD 0.01%). This variant has not been reported in the literature in individuals affected with COL3A1-related conditions. ClinVar contains an entry for this variant (Variation ID: 899074). Algorithms developed to predict the effect of sequence changes on RNA splicing suggest that this variant is not likely to affect RNA splicing. In summary, the available evidence is currently insufficient to determine the role of this variant in disease. Therefore, it has been classified as a Variant of Uncertain Significance.

Ambry Genetics
Classification: Likely benign for Familial thoracic aortic aneurysm and aortic dissection. Last evaluated: 2025-04-04. Review status: criteria provided, single submitter. Criteria: Ambry Variant Classification Scheme 2023. Collection method: clinical testing. Allele origin: germline.

Blueprint Genetics
Classification: Likely benign. Last evaluated: 2024-11-04. Review status: criteria provided, single submitter. Criteria: ACMG Guidelines, 2015. Collection method: clinical testing. Allele origin: germline.

Women's Health and Genetics/Laboratory Corporation of America, LabCorp
Classification: Uncertain significance. Last evaluated: 2024-09-09. Review status: criteria provided, single submitter. Criteria: LabCorp Variant Classification Summary - May 2015. Collection method: clinical testing. Allele origin: germline.

All of Us Research Program, National Institutes of Health
Classification: Likely benign for Ehlers-Danlos syndrome, type 4. Last evaluated: 2024-07-20. Review status: criteria provided, single submitter. Criteria: ACMG Guidelines, 2015. Collection method: clinical testing. Allele origin: germline. Inheritance: Autosomal dominant inheritance. Observed: 2 variant alleles, 2 heterozygotes.
Comment: This study involves interpretation of variants in research participants for the purpose of population health screening. Participant phenotype was not available at the time of variant classification. Additional details can be found in publication PMID: 35346344, PMCID: PMC8962531

Color Diagnostics, LLC DBA Color Health
Classification: Likely benign for Familial thoracic aortic aneurysm and aortic dissection. Last evaluated: 2019-10-14. Review status: criteria provided, single submitter. Criteria: ACMG Guidelines, 2015. Collection method: clinical testing. Allele origin: germline.

Illumina Laboratory Services, Illumina
Classification: Benign for Ehlers-Danlos syndrome, type 4. Last evaluated: 2018-01-12. Review status: criteria provided, single submitter. Criteria: ICSL Variant Classification Criteria 13 December 2019. Collection method: clinical testing. Allele origin: germline.
Comment: This variant was observed in the ICSL laboratory as part of a predisposition screen in an ostensibly healthy population. It had not been previously curated by ICSL or reported in the Human Gene Mutation Database (HGMD: prior to June 1st, 2018), and was therefore a candidate for classification through an automated scoring system. Utilizing variant allele frequency, disease prevalence and penetrance estimates, and inheritance mode, an automated score was calculated to assess if this variant is too frequent to cause the disease. Based on the score and internal cut-off values, a variant classified as benign is not then subjected to further curation. The score for this variant resulted in a classification of benign for this disease.

NM_000090.4(COL3A1):c.1347C>T (p.Arg449=)

Gene: COL3A1 (collagen type III alpha 1 chain; plus strand). Cytogenetic location: 2q32.2.
Variant type: single nucleotide variant.
Coding change: c.1347C>T on transcript NM_000090.4 (MANE Select); coding-DNA position 1347, C replaced by T.
Protein change: p.Arg449=; no amino-acid change (arginine 449 retained).
Molecular consequence: synonymous variant.
Genome position (GRCh38, 1-based): chr2:188,994,594, C>T. VCF-style: chr2-188994594-C-T. GRCh37 (hg19) VCF-style: chr2-189859320-C-T.
Identifiers: ClinVar variation 899074 (VCV000899074.14), dbSNP rs755731385, ClinGen allele CA074200.